The following is an entry in ClinVar:

ClinVar aggregate classification (germline): Uncertain significance. Review status: criteria provided, multiple submitters, no conflicts (2 of 4 stars). 3 submissions from 3 submitters: Uncertain significance (3). Last evaluated 2025-11-03.

Conditions:
Pitt-Hopkins-like syndrome 2 (PTHSL2). Identifiers: Orphanet 221150, Orphanet 600663, MedGen C3280479, MONDO:0013690, OMIM 614325.
Chromosome 2p16.3 deletion syndrome. Identifiers: MedGen C3808494, MONDO:0013696, OMIM 614332.

Allele frequency attached by ClinVar (database versions not stated): gnomAD exomes below 0.00001; ExAC 0.00001; gnomAD 0.00001; TOPMed 0.00001.
gnomAD v4.1: 6 of 1,613,810 alleles (0.00037%); highest among the groups gnomAD compares: Admixed American, 0.0017%; no homozygotes.

Submissions (3):

Labcorp Genetics (formerly Invitae), Labcorp
Classification: Uncertain significance for Pitt-Hopkins-like syndrome 2. Last evaluated: 2025-11-03. Review status: criteria provided, single submitter. Criteria: Invitae Variant Classification Sherloc (09022015). Collection method: clinical testing. Allele origin: germline.
Comment: This sequence change replaces leucine, which is neutral and non-polar, with isoleucine, which is neutral and non-polar, at codon 556 of the NRXN1 protein (p.Leu556Ile). This variant is present in population databases (rs781442387, gnomAD 0.002%). This variant has not been reported in the literature in individuals affected with NRXN1-related conditions. ClinVar contains an entry for this variant (Variation ID: 336550). An algorithm developed to predict the effect of missense changes on protein structure and function (PolyPhen-2) suggests that this variant is likely to be disruptive. In summary, the available evidence is currently insufficient to determine the role of this variant in disease. Therefore, it has been classified as a Variant of Uncertain Significance.

Fulgent Genetics
Classification: Uncertain significance for Pitt-Hopkins-like syndrome 2; Chromosome 2p16.3 deletion syndrome. Last evaluated: 2021-07-20. Review status: criteria provided, single submitter. Criteria: ACMG Guidelines, 2015. Collection method: clinical testing. Allele origin: unknown.

Illumina Laboratory Services, Illumina
Classification: Uncertain significance for Pitt-Hopkins-like syndrome 2. Last evaluated: 2018-01-12. Review status: criteria provided, single submitter. Criteria: ICSL Variant Classification Criteria 13 December 2019. Collection method: clinical testing. Allele origin: germline.

NM_001330078.2(NRXN1):c.1546C>A (p.Leu516Ile)

Gene: NRXN1 (neurexin 1; minus strand). Cytogenetic location: 2p16.3.
Variant type: single nucleotide variant.
Coding change: c.1546C>A on transcript NM_001330078.2 (MANE Select); coding-DNA position 1546, C replaced by A.
Protein change: p.Leu516Ile; replaces leucine 516 with isoleucine.
Molecular consequence: missense variant.
Genome position (GRCh38, 1-based): chr2:50,552,800, G>T on the plus strand (C>A on the coding strand, the complement: NRXN1 is on the minus strand). VCF-style: chr2-50552800-G-T. GRCh37 (hg19) VCF-style: chr2-50779938-G-T.
Other names: c.1666C>A, p.Leu556Ile (NM_001135659.3); c.1522C>A, p.Leu508Ile (NM_001330077.2, NM_001330082.2, NM_001330095.2); c.1507C>A, p.Leu503Ile (NM_001330083.2, NM_001330084.2); c.1546C>A, p.Leu516Ile (NM_001330085.2, NM_001330086.2, NM_004801.6); c.1462C>A, p.Leu488Ile (NM_001330087.2, NM_001330096.2); c.1492C>A, p.Leu498Ile (NM_001330088.2); c.1543C>A, p.Leu515Ile (NM_001330093.2); c.1534C>A, p.Leu512Ile (NM_001330094.2); short protein forms L556I, L512I, L488I, L498I, L516I, L503I, L508I, L515I.
Identifiers: ClinVar variation 336550 (VCV000336550.15), dbSNP rs781442387, ClinGen allele CA1655022.